The following is an entry in ClinVar:

NM_006766.5(KAT6A):c.2968_2969delinsAT (p.Glu990Met)

Gene: KAT6A (lysine acetyltransferase 6A; minus strand). Cytogenetic location: 8p11.21.
Variant type: Indel.
Coding change: c.2968_2969delinsAT on transcript NM_006766.5 (MANE Select); coding-DNA positions 2968 to 2969, GA replaced by AT.
Protein change: p.Glu990Met; replaces glutamic acid 990 with methionine.
Molecular consequence: missense variant.
Genome position (GRCh38, 1-based): chr8:41,940,912-41,940,913, TC replaced by AT on the plus strand (GA replaced by AT on the coding strand, the reverse complement: KAT6A is on the minus strand). VCF-style: chr8-41940912-TC-AT. GRCh37 (hg19) VCF-style: chr8-41798430-TC-AT.
Other names: short protein forms E990M.
Identifiers: ClinVar variation 3063853 (VCV003063853.1), dbSNP rs2486770560, ClinGen allele CA2740091291.

ClinVar aggregate classification (germline): Uncertain significance (1 of 4 stars; one submission).

Submission:

Women's Health and Genetics/Laboratory Corporation of America, LabCorp
Classification: Uncertain significance. Last evaluated: 2024-01-11. Review status: criteria provided, single submitter. Criteria: LabCorp Variant Classification Summary - May 2015. Collection method: clinical testing. Allele origin: germline.
Comment: Variant summary: KAT6A c.2968_2969delinsAT (p.Glu990Met) results in a non-conservative amino acid change in the encoded protein sequence. Three of four in-silico tools predict a damaging effect of the variant on protein function. The variant was absent in 1,607,054 control chromosomes in the gnomAD database (v4 dataset). The available data on variant occurrences in the general population are insufficient to allow any conclusion about variant significance. To our knowledge, no occurrence of c.2968_2969delinsAT in individuals affected with Arboleda-Tham Syndrome and no experimental evidence demonstrating its impact on protein function have been reported. No submitters have cited clinical-significance assessments for this variant to ClinVar. Based on the evidence outlined above, the variant was classified as uncertain significance.